The following is an entry in ClinVar:

NM_199420.4(POLQ):c.4337T>A (p.Leu1446His)

Gene: POLQ (DNA polymerase theta; minus strand). Cytogenetic location: 3q13.33.
Variant type: single nucleotide variant.
Coding change: c.4337T>A on transcript NM_199420.4 (MANE Select); coding-DNA position 4337, T replaced by A.
Protein change: p.Leu1446His; replaces leucine 1446 with histidine.
Molecular consequence: missense variant.
Genome position (GRCh38, 1-based): chr3:121,488,594, A>T on the plus strand (T>A on the coding strand, the complement: POLQ is on the minus strand). VCF-style: chr3-121488594-A-T. GRCh37 (hg19) VCF-style: chr3-121207441-A-T.
Other names: short protein forms L1446H.
Identifiers: ClinVar variation 2563793 (VCV002563793.2), dbSNP rs2546786001, ClinGen allele CA354095367.

ClinVar aggregate classification (germline): Uncertain significance (1 of 4 stars; one submission).

Allele frequency attached by ClinVar (database versions not stated): gnomAD exomes below 0.00001.
gnomAD v4.1: 4 of 1,608,200 alleles (0.00025%); highest among the groups gnomAD compares: Non-Finnish European, 0.00034%; no homozygotes.

Submission:

Ambry Genetics
Classification: Uncertain significance. Last evaluated: 2023-04-08. Review status: criteria provided, single submitter. Criteria: Ambry Variant Classification Scheme 2023. Collection method: clinical testing. Allele origin: germline.
Comment: The p.L1446H variant (also known as c.4337T>A), located in coding exon 16 of the POLQ gene, results from a T to A substitution at nucleotide position 4337. The leucine at codon 1446 is replaced by histidine, an amino acid with similar properties. This amino acid position is conserved. In addition, the in silico prediction for this alteration is inconclusive. Since supporting evidence is limited at this time, the clinical significance of this alteration remains unclear.